The following is an entry in ClinVar:

ClinVar aggregate classification (germline): Benign/Likely benign. Review status: criteria provided, multiple submitters, no conflicts (2 of 4 stars). 19 submissions from 18 submitters: Benign (10); Likely benign (7). 2 of the submissions do not count toward it. Last evaluated 2026-08-01.

Conditions:
Cardiovascular phenotype. Identifiers: MedGen CN230736.
Aortic aneurysm, familial thoracic 4 (AAT4). Also called: AORTIC ANEURYSM/AORTIC DISSECTION AND PATENT DUCTUS ARTERIOSUS. Identifiers: MedGen C1851504, MONDO:0007568, OMIM 132900.
Familial thoracic aortic aneurysm and aortic dissection (TAAD). Also called: Thoracic aortic aneurysms and dissections. Identifiers: Orphanet 91387, MedGen C4707243, MONDO:0019625.

Allele frequency attached by ClinVar (database versions not stated): 1000 Genomes Project 30x 0.00203; gnomAD 0.00242; TOPMed 0.00247; ESP Exome Variant Server 0.00323; 1000 Genomes Project 0.00180.
gnomAD v4.1: 1,247 of 1,614,194 alleles (0.077%); highest among the groups gnomAD compares: African/African-American, 0.7%; 2 homozygotes.

Submissions (19):

CeGaT Center for Human Genetics Tuebingen
Classification: Likely benign. Last evaluated: 2026-08-01. Review status: criteria provided, single submitter. Criteria: CeGaT Center For Human Genetics Tuebingen Variant Classification Criteria Version 2. Collection method: clinical testing. Allele origin: germline. Affected: yes. Observed: 18 variant alleles.
Comment: MYH11: BP4, BP7

Molecular Diagnostic Laboratory for Inherited Cardiovascular Disease, Montreal Heart Institute
Classification: Benign. Last evaluated: 2026-03-27. Review status: criteria provided, single submitter. Criteria: ACMG Guidelines, 2015. Collection method: clinical testing. Allele origin: germline. Affected: no.

Labcorp Genetics (formerly Invitae), Labcorp
Classification: Benign for Aortic aneurysm, familial thoracic 4. Last evaluated: 2026-01-28. Review status: criteria provided, single submitter. Criteria: Invitae Variant Classification Sherloc (09022015). Collection method: clinical testing. Allele origin: germline.

Mayo Clinic Laboratories, Mayo Clinic
Classification: Likely benign. Last evaluated: 2025-08-29. Review status: criteria provided, single submitter. Criteria: ACMG Guidelines, 2015. Collection method: clinical testing. Allele origin: germline. Observed: 3 variant alleles.
Comment: BS1, BP4, BP7

ARUP Laboratories, Molecular Genetics and Genomics, ARUP Laboratories
Classification: Benign. Last evaluated: 2025-05-20. Review status: criteria provided, single submitter. Criteria: ARUP Molecular Germline Variant Investigation Process 2024. Collection method: clinical testing. Allele origin: germline.

Blueprint Genetics
Classification: Likely benign. Last evaluated: 2024-10-14. Review status: criteria provided, single submitter. Criteria: ACMG Guidelines, 2015. Collection method: clinical testing. Allele origin: germline.

All of Us Research Program, National Institutes of Health
Classification: Benign for Familial thoracic aortic aneurysm and aortic dissection. Last evaluated: 2024-02-05. Review status: criteria provided, single submitter. Criteria: ACMG Guidelines, 2015. Collection method: clinical testing. Allele origin: germline. Inheritance: Autosomal dominant inheritance. Observed: 247 variant alleles, 246 heterozygotes, 1 homozygote.
Comment: This study involves interpretation of variants in research participants for the purpose of population health screening. Participant phenotype was not available at the time of variant classification. Additional details can be found in publication PMID: 35346344, PMCID: PMC8962531

Color Diagnostics, LLC DBA Color Health
Classification: Benign for Familial thoracic aortic aneurysm and aortic dissection. Last evaluated: 2018-10-15. Review status: criteria provided, single submitter. Criteria: ACMG Guidelines, 2015. Collection method: clinical testing. Allele origin: germline.

Illumina Laboratory Services, Illumina
Classification: Likely benign for Aortic aneurysm, familial thoracic 4. Last evaluated: 2018-01-12. Review status: criteria provided, single submitter. Criteria: ICSL Variant Classification Criteria 13 December 2019. Collection method: clinical testing. Allele origin: germline.
Comment: This variant was observed in the ICSL laboratory as part of a predisposition screen in an ostensibly healthy population. It had not been previously curated by ICSL or reported in the Human Gene Mutation Database (HGMD: prior to June 1st, 2018), and was therefore a candidate for classification through an automated scoring system. Utilizing variant allele frequency, disease prevalence and penetrance estimates, and inheritance mode, an automated score was calculated to assess if this variant is too frequent to cause the disease. Based on the score and internal cut-off values, a variant classified as likely benign is not then subjected to further curation. The score for this variant resulted in a classification of likely benign for this disease.

Clinical Genetics DNA and cytogenetics Diagnostics Lab, Erasmus MC, Erasmus Medical Center
Classification: Likely benign for Aortic aneurysm, familial thoracic 4. Last evaluated: 2017-06-28. Review status: criteria provided, single submitter. Criteria: ACGS Guidelines, 2013. Collection method: clinical testing. Allele origin: germline. Affected: yes. Study: VKGL Data-share Consensus.

CHEO Genetics Diagnostic Laboratory, Children's Hospital of Eastern Ontario
Classification: Benign for Familial thoracic aortic aneurysm and aortic dissection. Last evaluated: 2017-05-15. Review status: criteria provided, single submitter. Criteria: ACMG Guidelines, 2015. Collection method: clinical testing. Allele origin: germline. Study: Canadian Open Genetics Repository.

Eurofins Ntd Llc (ga)
Classification: Benign. Last evaluated: 2016-10-11. Review status: criteria provided, single submitter. Criteria: EGL Classification Definitions 2015. Collection method: clinical testing. Allele origin: germline. Observed: 1 variant allele, 1 heterozygote.

Women's Health and Genetics/Laboratory Corporation of America, LabCorp
Classification: Benign. Last evaluated: 2016-09-26. Review status: criteria provided, single submitter. Criteria: LabCorp Variant Classification Summary - May 2015. Collection method: clinical testing. Allele origin: germline.
Comment: Variant summary: The MYH11 c.453G>A (p.Pro151Pro) variant causes a synonymous change with 5/5 splice prediction tools predicting no significant impact on normal splicing and the removal of an ESE binding site, however, these predictions have yet to be functionally assessed. The variant of interest was observed in the large, broad control population, ExAC, with an allele frequency of 104/121408 (1/1167), which significantly exceeds the estimated maximal expected allele frequency for a pathogenic MYH11 variant of 1/769230, suggesting this variant is likely a benign polymorphism. The variant of interest has not, to our knowledge, been reported in affected individuals via publications, however, a clinical diagnostic laboratory cites the variant as "benign." Therfore, the variant of interest has been classified as Benign.

Ambry Genetics
Classification: Likely benign for Cardiovascular phenotype. Last evaluated: 2015-07-20. Review status: criteria provided, single submitter. Criteria: Ambry Autosomal Dominant and X-Linked criteria (10/2015). Collection method: clinical testing. Allele origin: germline. Observed: 1 variant allele.

Ambry Genetics
Classification: Likely benign for Familial thoracic aortic aneurysm and aortic dissection. Last evaluated: 2015-01-20. Review status: criteria provided, single submitter. Criteria: Ambry Autosomal Dominant and X-Linked criteria (10/2015). Collection method: clinical testing. Allele origin: germline. Observed: 1 variant allele.

GeneDx
Classification: Benign. Last evaluated: 2014-09-18. Review status: criteria provided, single submitter. Criteria: GeneDx Variant Classification (06012015). Collection method: clinical testing. Allele origin: germline. Affected: yes.
Comment: This variant is considered likely benign or benign based on one or more of the following criteria: it is a conservative change, it occurs at a poorly conserved position in the protein, it is predicted to be benign by multiple in silico algorithms, and/or has population frequency not consistent with disease.

PreventionGenetics, part of Exact Sciences
Classification: Benign. Review status: criteria provided, single submitter. Criteria: ACMG Guidelines, 2015. Collection method: clinical testing. Allele origin: germline.

Genome Diagnostics Laboratory, Amsterdam University Medical Center
Classification: Benign for Aortic aneurysm, familial thoracic 4. Last evaluated: 2017-01-11. Review status: no assertion criteria provided. Criteria: ACGS Guidelines, 2013. Collection method: clinical testing. Allele origin: germline. Affected: yes. Study: VKGL Data-share Consensus. Not counted in ClinVar's aggregate classification.

Genome Diagnostics Laboratory, University Medical Center Utrecht
Classification: Benign. Review status: no assertion criteria provided. Collection method: clinical testing. Allele origin: germline. Affected: yes. Study: VKGL Data-share Consensus. Not counted in ClinVar's aggregate classification.

NM_002474.3(MYH11):c.453G>A (p.Pro151=)

Gene: MYH11 (myosin heavy chain 11; minus strand). Cytogenetic location: 16p13.11.
Variant type: single nucleotide variant.
Coding change: c.453G>A on transcript NM_002474.3 (MANE Select); coding-DNA position 453, G replaced by A.
Protein change: p.Pro151=; no amino-acid change (proline 151 retained).
Molecular consequence: synonymous variant.
Genome position (GRCh38, 1-based): chr16:15,823,304, C>T on the plus strand (G>A on the coding strand, the complement: MYH11 is on the minus strand). VCF-style: chr16-15823304-C-T. GRCh37 (hg19) VCF-style: chr16-15917161-C-T.
Other names: p.P151P:CCG>CCA; p.Pro151=; c.453G>A, p.Pro151= (NM_001040113.2, NM_001040114.2, NM_022844.3).
Identifiers: ClinVar variation 201046 (VCV000201046.78), dbSNP rs61734199, ClinGen allele CA306486.